The following is an entry in ClinVar:

NM_001148.6(ANK2):c.9076G>A (p.Val3026Ile)

Gene: ANK2 (ankyrin 2; plus strand). Cytogenetic location: 4q26.
Variant type: single nucleotide variant.
Coding change: c.9076G>A on transcript NM_001148.6 (MANE Select); coding-DNA position 9076, G replaced by A.
Protein change: p.Val3026Ile; replaces valine 3026 with isoleucine.
Molecular consequence: missense variant. On other transcripts: intron variant (68).
Genome position (GRCh38, 1-based): chr4:113,357,694, G>A. VCF-style: chr4-113357694-G-A. GRCh37 (hg19) VCF-style: chr4-114278850-G-A.
Other names: c.8842G>A, p.Val2948Ile (NM_001386142.1); c.5476G>A, p.Val1826Ile (NM_001386166.1); c.9217G>A, p.Val3073Ile (NM_001386174.1); c.9193G>A, p.Val3065Ile (NM_001386175.1); c.4412-3129G>A (NM_001386186.2, NM_001386148.2); c.4214-3129G>A (NM_001354269.3); c.4292-3129G>A (NM_001386187.2); c.4253-3129G>A (NM_001386147.1); and 35 more; short protein forms V1826I, V3073I, V2948I, V3026I, V3065I.
Identifiers: ClinVar variation 4755319 (VCV004755319.1).
Genomic context (GRCh38, chr4:113,357,694, plus strand): 5'-ATGCAATCAGACAGTGTCTCTTCATCTTTCGAGCCTACTATGTCCGCTACAACAACAGTT[G>A]TTGGTGAACAAATAAGCAAAGTCATCATCACAAAAACTGATGTGGATTCTGATTCTTGGA-3'
Protein context (NP_001139.3, residues 3016-3036): EPTMSATTTV[Val3026Ile]GEQISKVIIT

ClinVar aggregate classification (germline): Uncertain significance (1 of 4 stars; one submission).

Conditions:
Long QT syndrome (LQTS). Identifiers: MedGen C0023976, MeSH D008133, MONDO:0002442. Disease mechanism: loss of function. Inheritance: Various modes of inheritance.

gnomAD v4.1: 4 of 1,614,044 alleles (0.00025%); highest among the groups gnomAD compares: Non-Finnish European, 0.00034%; no homozygotes.

Submission:

Labcorp Genetics (formerly Invitae), Labcorp
Classification: Uncertain significance for Long QT syndrome. Last evaluated: 2025-09-27. Review status: criteria provided, single submitter. Criteria: Invitae Variant Classification Sherloc (09022015). Collection method: clinical testing. Allele origin: germline.
Comment: This sequence change replaces valine, which is neutral and non-polar, with isoleucine, which is neutral and non-polar, at codon 3026 of the ANK2 protein (p.Val3026Ile). This variant is not present in population databases (gnomAD no frequency). This variant has not been reported in the literature in individuals affected with ANK2-related conditions. An algorithm developed to predict the effect of missense changes on protein structure and function outputs the following: PolyPhen-2: "Benign". The isoleucine amino acid residue is found in multiple mammalian species, which suggests that this missense change does not adversely affect protein function. In summary, the available evidence is currently insufficient to determine the role of this variant in disease. Therefore, it has been classified as a Variant of Uncertain Significance.